The following is an entry in ClinVar:

NM_017635.5(KMT5B):c.461dup (p.Lys155fs)

Gene: KMT5B (lysine methyltransferase 5B; minus strand). Cytogenetic location: 11q13.2.
Variant type: Duplication.
Coding change: c.461dup on transcript NM_017635.5 (MANE Select); coding-DNA position 461, one base duplicated (T; older notation c.461dupT).
Protein change: p.Lys155fs; shifts the reading frame from lysine 155.
Molecular consequence: frameshift variant. On other transcripts: 5 prime UTR variant (9), non-coding transcript variant (3).
Genome position (GRCh38, 1-based): chr11:68,175,100, A duplicated on the plus strand (T on the coding strand, the reverse complement: KMT5B is on the minus strand); the first of 2 consecutive A bases (chr11:68,175,100-68,175,101); duplicating either gives the same sequence. VCF-style (leftmost placement, unchanged base first): chr11-68175099-G-GA. GRCh37 (hg19) VCF-style: chr11-67942566-G-GA.
Other names: c.-56dup (NM_001300907.1, NM_001369424.1, NM_001369428.1 and 5 more transcripts); c.-207dup (NM_001300908.2); c.392dup, p.Lys132fs (NM_001300909.2); c.461dup, p.Lys155fs (NM_001363566.2, NM_001369426.1, NM_001369427.1 and 1 more transcripts); c.248dup, p.Lys84fs (NM_001369425.1); short protein forms K132fs, K155fs, K84fs.
Identifiers: ClinVar variation 4851608 (VCV004851608.1).

ClinVar aggregate classification (germline): Likely pathogenic (1 of 4 stars; one submission).

Conditions:
Intellectual developmental disorder, autosomal dominant 51. Also called: MENTAL RETARDATION, AUTOSOMAL DOMINANT 51; Intellectual disability, autosomal dominant 51. Identifiers: Orphanet 684226, MedGen C4540474, MONDO:0030917, OMIM 617788.

Submission:

CGC Genetics, Unilabs
Classification: Likely pathogenic for Intellectual developmental disorder, autosomal dominant 51. Last evaluated: 2026-04-24. Review status: criteria provided, single submitter. Criteria: ACMG Guidelines, 2015. Collection method: clinical testing. Allele origin: germline. Inheritance: Autosomal dominant inheritance. Affected: yes. Observed: 1 variant allele.
Comment: The variant NM_017635.5:c.461dup p.(Lys155Glnfs*18), detected in heterozygosity in exon 5 (of 11) of the KMT5B gene (chr.11), has not been described in the literature nor reported in the gnomAD or ClinVar databases. This is a frameshift variant that introduces a premature stop codon, which is predicted to result in the production of a truncated protein and/or reduced gene expression due to mRNA degradation. Based on the information currently available, this variant should be classified as likely pathogenic.